The following is an entry in ClinVar:

ClinVar aggregate classification (germline): Uncertain significance. Review status: criteria provided, single submitter (1 of 4 stars). 2 submissions from 1 submitter: Uncertain significance (2). Last evaluated 2022-10-05.

Conditions:
Juvenile polyposis syndrome (JPS). Identifiers: Orphanet 2929, MedGen C0345893, MONDO:0017380, OMIM 174900.
Generalized juvenile polyposis/juvenile polyposis coli. Also called: Juvenile polyposis coli. Identifiers: Orphanet 329971, MedGen C1868081, MONDO:0008276.

Submissions (2):

Labcorp Genetics (formerly Invitae), Labcorp
Classification: Uncertain significance for Juvenile polyposis syndrome. Last evaluated: 2022-10-05. Review status: criteria provided, single submitter. Criteria: Invitae Variant Classification Sherloc (09022015). Collection method: clinical testing. Allele origin: germline.
Comment: A copy number gain of the genomic region encompassing the full coding sequence of the SMAD4 gene has been identified. The boundaries of this event are unknown as they extend beyond the assayed region for this gene and therefore may encompass additional genes. As the precise location of this event is unknown, it may be in tandem or it may be located elsewhere in the genome. This variant has not been reported in the literature in individuals affected with SMAD4-related conditions. Experimental studies and prediction algorithms are not available or were not evaluated, and the functional significance of this variant is currently unknown. In summary, the available evidence is currently insufficient to determine the role of this variant in disease. Therefore, it has been classified as a Variant of Uncertain Significance.

Labcorp Genetics (formerly Invitae), Labcorp
Classification: Uncertain significance for Juvenile polyposis syndrome. Last evaluated: 2019-09-20. Review status: criteria provided, single submitter. Criteria: Invitae Variant Classification Sherloc (09022015). Collection method: clinical testing. Allele origin: germline.
Comment: This variant results in a copy number gain of the genomic region encompassing the full coding sequence of the SMAD4 gene. The boundaries of this event are unknown as they extend beyond the assayed region for this gene and therefore may encompass additional genes. As the precise location of this event is unknown, it may be in tandem or it may be located elsewhere in the genome. This variant has not been reported in the literature in individuals with SMAD4-related conditions. In summary, the available evidence is currently insufficient to determine the role of this variant in disease. Therefore, it has been classified as a Variant of Uncertain Significance.

NC_000018.10:g.(?_51030213)_(51078467_?)dup

Gene: SMAD4 (SMAD family member 4; plus strand). Cytogenetic location: 18q21.2.
Variant type: Duplication.
Identifiers: ClinVar variation 1011182 (VCV001011182.2).